The following is an entry in ClinVar:

ClinVar aggregate classification (germline): Conflicting classifications of pathogenicity. Review status: criteria provided, conflicting classifications (1 of 4 stars). 4 submissions from 4 submitters: Uncertain significance (3); Likely benign (1). Last evaluated 2026-01-13.

Conditions:
Inborn genetic diseases. Identifiers: MedGen C0950123, MeSH D030342.
Mucolipidosis type IV (ML4). Also called: ML IV. Identifiers: Orphanet 578, MedGen C0238286, MONDO:0009653, OMIM 252650.

Allele frequency attached by ClinVar (database versions not stated): gnomAD 0.00003; gnomAD exomes 0.00003; TOPMed 0.00004; ExAC 0.00005.

Submissions (4):

Labcorp Genetics (formerly Invitae), Labcorp
Classification: Likely benign for Mucolipidosis type IV. Last evaluated: 2026-01-13. Review status: criteria provided, single submitter. Criteria: Invitae Variant Classification Sherloc (09022015). Collection method: clinical testing. Allele origin: germline.

Ambry Genetics
Classification: Uncertain significance for Inborn genetic diseases. Last evaluated: 2025-04-03. Review status: criteria provided, single submitter. Criteria: Ambry Variant Classification Scheme 2023. Collection method: clinical testing. Allele origin: germline.

Revvity Omics, Revvity
Classification: Uncertain significance for Mucolipidosis type IV. Last evaluated: 2023-10-06. Review status: criteria provided, single submitter. Criteria: ACMG Guidelines, 2015. Collection method: clinical testing. Allele origin: germline.

GeneDx
Classification: Uncertain significance. Last evaluated: 2023-05-05. Review status: criteria provided, single submitter. Criteria: GeneDx Variant Classification Process June 2021. Collection method: clinical testing. Allele origin: germline. Affected: yes.
Comment: In silico analysis supports that this missense variant does not alter protein structure/function; Has not been previously published as pathogenic or benign to our knowledge

NM_020533.3(MCOLN1):c.838C>T (p.His280Tyr)

Gene: MCOLN1 (mucolipin TRP cation channel 1; plus strand). Cytogenetic location: 19p13.2.
Variant type: single nucleotide variant.
Coding change: c.838C>T on transcript NM_020533.3 (MANE Select); coding-DNA position 838, C replaced by T.
Protein change: p.His280Tyr; replaces histidine 280 with tyrosine.
Molecular consequence: missense variant.
Genome position (GRCh38, 1-based): chr19:7,528,218, C>T. VCF-style: chr19-7528218-C-T. GRCh37 (hg19) VCF-style: chr19-7593104-C-T.
Other names: c.838C>T (NM_020533.2); short protein forms H280Y.
Identifiers: ClinVar variation 2041828 (VCV002041828.7), dbSNP rs762770801, ClinGen allele CA9138923.
Genomic context (GRCh38, chr19:7,528,218, plus strand): 5'-ATCACGTTTGACAACAAAGCACACAGTGGGCGGATCCCCATCAGCCTGGAGACCCAGGCC[C>T]ACATCCAGGAGTGTAAGCACCCCAGTGTCTTCCAGCACGGTGAGCCCCTGAGCCCCAGAC-3'
Protein context (NP_065394.1, residues 270-290): RIPISLETQA[His280Tyr]IQECKHPSVF